The following is an entry in ClinVar:

NM_004484.4(GPC3):c.964G>C (p.Gly322Arg)

Gene: GPC3 (glypican 3; minus strand). Cytogenetic location: Xq26.2.
Variant type: single nucleotide variant.
Coding change: c.964G>C on transcript NM_004484.4 (MANE Select); coding-DNA position 964, G replaced by C.
Protein change: p.Gly322Arg; replaces glycine 322 with arginine.
Molecular consequence: missense variant.
Genome position (GRCh38, 1-based): chrX:133,753,550, C>G on the plus strand (G>C on the coding strand, the complement: GPC3 is on the minus strand). VCF-style: chrX-133753550-C-G. GRCh37 (hg19) VCF-style: chrX-132887577-C-G.
Other names: c.964G>C, p.Gly322Arg (NM_001164617.2); c.916G>C, p.Gly306Arg (NM_001164618.2); c.802G>C, p.Gly268Arg (NM_001164619.2); short protein forms G268R, G306R, G322R.
Identifiers: ClinVar variation 2920458 (VCV002920458.3), dbSNP rs2521353103, ClinGen allele CA414705153.

ClinVar aggregate classification (germline): Uncertain significance (1 of 4 stars; one submission).

Conditions:
Wilms tumor 1 (WT1). Also called: Wilms tumor, somatic. Identifiers: Orphanet 654, MedGen CN033288, MONDO:0008679, OMIM 194070.

Submission:

Labcorp Genetics (formerly Invitae), Labcorp
Classification: Uncertain significance for Wilms tumor 1. Last evaluated: 2022-12-01. Review status: criteria provided, single submitter. Criteria: Invitae Variant Classification Sherloc (09022015). Collection method: clinical testing. Allele origin: germline.
Comment: This sequence change replaces glycine, which is neutral and non-polar, with arginine, which is basic and polar, at codon 322 of the GPC3 protein (p.Gly322Arg). This variant is not present in population databases (gnomAD no frequency). This variant has not been reported in the literature in individuals affected with GPC3-related conditions. Advanced modeling of protein sequence and biophysical properties (such as structural, functional, and spatial information, amino acid conservation, physicochemical variation, residue mobility, and thermodynamic stability) performed at Invitae indicates that this missense variant is not expected to disrupt GPC3 protein function. In summary, the available evidence is currently insufficient to determine the role of this variant in disease. Therefore, it has been classified as a Variant of Uncertain Significance.